The following is an entry in ClinVar:

NM_001367624.2(ZNF469):c.2513C>G (p.Ala838Gly)

Gene: ZNF469 (zinc finger protein 469; plus strand). Cytogenetic location: 16q24.2.
Variant type: single nucleotide variant.
Coding change: c.2513C>G on transcript NM_001367624.2 (MANE Select); coding-DNA position 2513, C replaced by G.
Protein change: p.Ala838Gly; replaces alanine 838 with glycine.
Molecular consequence: missense variant.
Genome position (GRCh38, 1-based): chr16:88,429,983, C>G. VCF-style: chr16-88429983-C-G. GRCh37 (hg19) VCF-style: chr16-88496391-C-G.
Other names: NM_001127464.1:c.2513C>G; short protein forms A838G.
Identifiers: ClinVar variation 2449464 (VCV002449464.2), dbSNP rs2507579030, ClinGen allele CA397072727.

ClinVar aggregate classification (germline): Uncertain significance (1 of 4 stars; one submission).

Conditions:
Cardiovascular phenotype. Identifiers: MedGen CN230736.

Allele frequency attached by ClinVar (database versions not stated): gnomAD exomes below 0.00001.
gnomAD v4.1: 1 of 1,550,348 alleles (0.000065%); no homozygotes.

Submission:

Ambry Genetics
Classification: Uncertain significance for Cardiovascular phenotype. Last evaluated: 2022-12-23. Review status: criteria provided, single submitter. Criteria: Ambry Variant Classification Scheme 2023. Collection method: clinical testing. Allele origin: germline.
Comment: The p.A838G variant (also known as c.2513C>G), located in coding exon 1 of the ZNF469 gene, results from a C to G substitution at nucleotide position 2513. The alanine at codon 838 is replaced by glycine, an amino acid with similar properties. This amino acid position is conserved. In addition, this alteration is predicted to be tolerated by in silico analysis. Since supporting evidence is limited at this time, the clinical significance of this alteration remains unclear.